The following is an entry in ClinVar:

ClinVar aggregate classification (germline): Uncertain significance. Review status: criteria provided, multiple submitters, no conflicts (2 of 4 stars). 2 submissions from 2 submitters: Uncertain significance (2). Last evaluated 2024-12-06.

Conditions:
Intellectual developmental disorder, X-linked 111 (XLID111). Identifiers: MedGen C5829568, MONDO:0957203, OMIM 301107.

Submissions (2):

Dasa
Classification: Uncertain significance. Last evaluated: 2024-12-06. Review status: criteria provided, single submitter. Criteria: DASA Assertion Criteria. Collection method: clinical testing. Allele origin: germline.
Comment: NM_032539.5(SLITRK2):c.181dup (p.Gln61Profs*35) is a frameshift variant in SLITRK2 predicted to alter the reading frame and introduce a premature termination codon and is predicted to result in an absent or altered protein product. Loss of function is an established disease mechanism for SLITRK2-associated disorders. Also, this variant is rare in population databases. The currently available literature and clinical evidence are not sufficient to establish a definitive association between this variant and the reported condition. Therefore, this variant is classified as a variant of uncertain significance.

Juno Genomics, Hangzhou Juno Genomics, Inc
Classification: Uncertain significance for Intellectual developmental disorder, X-linked 111. Review status: criteria provided, single submitter. Criteria: ACMG Guidelines, 2015. Collection method: clinical testing. Allele origin: germline.
Comment: Absent from controls (or at extremely low frequency if recessive) in Genome Aggregation Database.

NM_032539.5(SLITRK2):c.181dup (p.Gln61fs)

Gene: SLITRK2 (SLIT and NTRK like family member 2; plus strand). Cytogenetic location: Xq27.3.
Variant type: Duplication.
Coding change: c.181dup on transcript NM_032539.5 (MANE Select); coding-DNA position 181, one base duplicated (C; older notation c.181dupC).
Protein change: p.Gln61fs; shifts the reading frame from glutamine 61.
Molecular consequence: frameshift variant.
Genome position (GRCh38, 1-based): chrX:145,822,606, C duplicated; the last of 7 consecutive C bases (chrX:145,822,600-145,822,606); duplicating any one gives the same sequence. VCF-style (leftmost placement, unchanged base first): chrX-145822599-G-GC. GRCh37 (hg19) VCF-style: chrX-144904117-G-GC.
Other names: c.181dup, p.Gln61fs (NM_001144003.3, NM_001144004.3, NM_001144005.3 and 4 more transcripts); short protein forms Q61fs.
Identifiers: ClinVar variation 4886272 (VCV004886272.4).
Genomic context (GRCh38, chrX:145,822,599, plus strand): 5'-GGAAAACGTACTGAATATCAACTGTGAGAACAAAGGATTTACAACAGTTAGCCTGCTCCA[G>GC]CCCCCCCAGTATCGAATCTATCAGCTTTTTCTCAATGGAAACCTCTTGACAAGACTGTAT-3'